The following is an entry in ClinVar:

ClinVar aggregate classification (germline): Uncertain significance (1 of 4 stars; one submission).

Submission:

Labcorp Genetics (formerly Invitae), Labcorp
Classification: Uncertain significance. Last evaluated: 2024-05-15. Review status: criteria provided, single submitter. Criteria: Invitae Variant Classification Sherloc (09022015). Collection method: clinical testing. Allele origin: germline.
Comment: This sequence change replaces leucine, which is neutral and non-polar, with valine, which is neutral and non-polar, at codon 144 of the HOXB13 protein (p.Leu144Val). This variant is not present in population databases (gnomAD no frequency). This variant has not been reported in the literature in individuals affected with HOXB13-related conditions. ClinVar contains an entry for this variant (Variation ID: 1713304). Advanced modeling of protein sequence and biophysical properties (such as structural, functional, and spatial information, amino acid conservation, physicochemical variation, residue mobility, and thermodynamic stability) performed at Invitae indicates that this missense variant is not expected to disrupt HOXB13 protein function with a negative predictive value of 80%. In summary, the available evidence is currently insufficient to determine the role of this variant in disease. Therefore, it has been classified as a Variant of Uncertain Significance.

NM_006361.6(HOXB13):c.430C>G (p.Leu144Val)

Gene: HOXB13 (homeobox B13; minus strand). Cytogenetic location: 17q21.32.
Variant type: single nucleotide variant.
Coding change: c.430C>G on transcript NM_006361.6 (MANE Select); coding-DNA position 430, C replaced by G.
Protein change: p.Leu144Val; replaces leucine 144 with valine.
Molecular consequence: missense variant.
Genome position (GRCh38, 1-based): chr17:48,728,164, G>C on the plus strand (C>G on the coding strand, the complement: HOXB13 is on the minus strand). VCF-style: chr17-48728164-G-C. GRCh37 (hg19) VCF-style: chr17-46805526-G-C.
Other names: short protein forms L144V.
Identifiers: ClinVar variation 1713304 (VCV001713304.5), dbSNP rs1471084758, ClinGen allele CA400107468.